The following is an entry in ClinVar:

NM_001042492.3(NF1):c.4396_4398del (p.Asp1466del)

Gene: NF1 (neurofibromin 1; plus strand). Cytogenetic location: 17q11.2.
Variant type: Deletion.
Coding change: c.4396_4398del on transcript NM_001042492.3 (MANE Select); coding-DNA positions 4396 to 4398, 3 bases deleted (GAT; older notation c.4396_4398delGAT).
Protein change: p.Asp1466del; deletes aspartic acid 1466.
Molecular consequence: inframe deletion. On other transcripts: inframe indel (1).
Genome position (GRCh38, 1-based): chr17:31,259,095-31,259,097, GAT deleted; deleting any 3 consecutive bases within chr17:31,259,093-31,259,097 gives the same sequence; the c. name uses the placement nearest the transcript's 3' end. VCF-style (leftmost placement, unchanged base first): chr17-31259092-AATG-A. GRCh37 (hg19) VCF-style: chr17-29586110-AATG-A.
Other names: c.4333_4335delGAT, p.Asp1445del (NM_000267.4); short protein forms D1466del, D1445del.
Identifiers: ClinVar variation 3654438 (VCV003654438.2).

ClinVar aggregate classification (germline): Uncertain significance (1 of 4 stars; one submission).

Conditions:
Neurofibromatosis, type 1 (NF1). Also called: Peripheral type neurofibromatosis; VON RECKLINGHAUSEN DISEASE; NEUROFIBROMATOSIS, TYPE I, SOMATIC; Neurofibromatosis, type I. Identifiers: Orphanet 636, MedGen C0027831, MONDO:0018975, OMIM 162200. Disease mechanism: loss of function.

Submission:

Labcorp Genetics (formerly Invitae), Labcorp
Classification: Uncertain significance for Neurofibromatosis, type 1. Last evaluated: 2024-05-23. Review status: criteria provided, single submitter. Criteria: Invitae Variant Classification Sherloc (09022015). Collection method: clinical testing. Allele origin: germline.
Comment: This variant, c.4333_4335del, results in the deletion of 1 amino acid(s) of the NF1 protein (p.Asp1445del), but otherwise preserves the integrity of the reading frame. This variant is not present in population databases (gnomAD no frequency). This variant has not been reported in the literature in individuals affected with NF1-related conditions. Experimental studies and prediction algorithms are not available or were not evaluated, and the functional significance of this variant is currently unknown. In summary, the available evidence is currently insufficient to determine the role of this variant in disease. Therefore, it has been classified as a Variant of Uncertain Significance.